The following is an entry in ClinVar:

ClinVar aggregate classification (germline): Uncertain significance. Review status: criteria provided, multiple submitters, no conflicts (2 of 4 stars). 2 submissions from 2 submitters: Uncertain significance (2). Last evaluated 2025-07-23.

Conditions:
Inborn genetic diseases. Identifiers: MedGen C0950123, MeSH D030342.
Mosaic variegated aneuploidy syndrome 1 (MVA1). Also called: Warburton-Anyane-Yeboa syndrome. Identifiers: Orphanet 1052, MedGen C1850343, MONDO:0009759, OMIM 257300.

Submissions (2):

Labcorp Genetics (formerly Invitae), Labcorp
Classification: Uncertain significance for Mosaic variegated aneuploidy syndrome 1. Last evaluated: 2025-07-23. Review status: criteria provided, single submitter. Criteria: Invitae Variant Classification Sherloc (09022015). Collection method: clinical testing. Allele origin: germline.
Comment: This sequence change replaces valine, which is neutral and non-polar, with isoleucine, which is neutral and non-polar, at codon 333 of the BUB1B protein (p.Val333Ile). This variant is not present in population databases (gnomAD no frequency). This variant has not been reported in the literature in individuals affected with BUB1B-related conditions. ClinVar contains an entry for this variant (Variation ID: 3262231). An algorithm developed to predict the effect of missense changes on protein structure and function outputs the following: PolyPhen-2: "Benign". The isoleucine amino acid residue is found in multiple mammalian species, which suggests that this missense change does not adversely affect protein function. In summary, the available evidence is currently insufficient to determine the role of this variant in disease. Therefore, it has been classified as a Variant of Uncertain Significance.

Ambry Genetics
Classification: Uncertain significance for Inborn genetic diseases. Last evaluated: 2024-04-06. Review status: criteria provided, single submitter. Criteria: Ambry Variant Classification Scheme 2023. Collection method: clinical testing. Allele origin: germline.
Comment: The p.V333I variant (also known as c.997G>A), located in coding exon 8 of the BUB1B gene, results from a G to A substitution at nucleotide position 997. The valine at codon 333 is replaced by isoleucine, an amino acid with highly similar properties. This amino acid position is conserved. In addition, this alteration is predicted to be tolerated by in silico analysis. Based on the available evidence, the clinical significance of this variant remains unclear.

NM_001211.6(BUB1B):c.997G>A (p.Val333Ile)

Gene: BUB1B (BUB1 mitotic checkpoint serine/threonine kinase B; plus strand). Cytogenetic location: 15q15.1.
Variant type: single nucleotide variant.
Coding change: c.997G>A on transcript NM_001211.6 (MANE Select); coding-DNA position 997, G replaced by A.
Protein change: p.Val333Ile; replaces valine 333 with isoleucine.
Molecular consequence: missense variant.
Genome position (GRCh38, 1-based): chr15:40,185,581, G>A. VCF-style: chr15-40185581-G-A. GRCh37 (hg19) VCF-style: chr15-40477782-G-A.
Other names: short protein forms V333I.
Identifiers: ClinVar variation 3262231 (VCV003262231.2).
Genomic context (GRCh38, chr15:40,185,581, plus strand): 5'-GGTAATTTTAGTTTTCTTCTTCATCTCCAGCCTCGTGGCAATACAGCTTCACTGATAGCT[G>A]TACCCGCTGTGCTTCCCAGTTTCACTCCATATGTGGAAGAGACTGCACGACAGCCAGTTA-3'
Protein context (NP_001202.5, residues 323-343): PRGNTASLIA[Val333Ile]PAVLPSFTPY